The following is an entry in ClinVar:

ClinVar aggregate classification (germline): Uncertain significance (1 of 4 stars; one submission).

Conditions:
Long QT syndrome (LQTS). Identifiers: MedGen C0023976, MeSH D008133, MONDO:0002442. Disease mechanism: loss of function. Inheritance: Various modes of inheritance.

gnomAD v4.1: 17 of 1,571,578 alleles (0.0011%); highest among the groups gnomAD compares: Non-Finnish European, 0.0015%; no homozygotes.

Submission:

Labcorp Genetics (formerly Invitae), Labcorp
Classification: Uncertain significance for Long QT syndrome. Last evaluated: 2022-07-19. Review status: criteria provided, single submitter. Criteria: Invitae Variant Classification Sherloc (09022015). Collection method: clinical testing. Allele origin: germline.
Comment: In summary, the available evidence is currently insufficient to determine the role of this variant in disease. Therefore, it has been classified as a Variant of Uncertain Significance. Algorithms developed to predict the effect of missense changes on protein structure and function are either unavailable or do not agree on the potential impact of this missense change (SIFT: "Deleterious"; PolyPhen-2: "Probably Damaging"; Align-GVGD: "Class C15"). ClinVar contains an entry for this variant (Variation ID: 1001851). This variant has not been reported in the literature in individuals affected with CACNA1C-related conditions. This variant is not present in population databases (gnomAD no frequency). This sequence change replaces aspartic acid, which is acidic and polar, with asparagine, which is neutral and polar, at codon 1602 of the CACNA1C protein (p.Asp1602Asn).

NM_000719.7(CACNA1C):c.4804G>A (p.Asp1602Asn)

Gene: CACNA1C (calcium voltage-gated channel subunit alpha1 C; plus strand). Cytogenetic location: 12p13.33.
Variant type: single nucleotide variant.
Coding change: c.4804G>A on transcript NM_000719.7 (MANE Select); coding-DNA position 4804, G replaced by A.
Protein change: p.Asp1602Asn; replaces aspartic acid 1602 with asparagine.
Molecular consequence: missense variant.
Genome position (GRCh38, 1-based): chr12:2,674,618, G>A. VCF-style: chr12-2674618-G-A. GRCh37 (hg19) VCF-style: chr12-2783784-G-A.
Other names: c.4948G>A, p.Asp1650Asn (NM_001129827.2, NM_199460.4); c.4927G>A, p.Asp1643Asn (NM_001129829.2); c.4804G>A, p.Asp1602Asn (NM_001129830.3, NM_001129840.2, NM_001129841.2 and 4 more transcripts); c.4888G>A, p.Asp1630Asn (NM_001129831.2); c.4864G>A, p.Asp1622Asn (NM_001129832.2); c.4861G>A, p.Asp1621Asn (NM_001129833.2, NM_001129834.2, NM_001129835.2); c.4855G>A, p.Asp1619Asn (NM_001129836.2); c.4828G>A, p.Asp1610Asn (NM_001129837.2, NM_001129838.2); and 3 more; short protein forms D1591N, D1599N, D1602N, D1608N, D1610N, D1619N, D1621N, D1622N.
Identifiers: ClinVar variation 1001851 (VCV001001851.9), dbSNP rs2096712046, ClinGen allele CA383377819.